The following is an entry in ClinVar:

ClinVar aggregate classification (germline): Uncertain significance. Review status: criteria provided, multiple submitters, no conflicts (2 of 4 stars). 2 submissions from 2 submitters: Uncertain significance (2). Last evaluated 2024-07-22.

Conditions:
Neurofibromatosis, type 1 (NF1). Also called: Peripheral type neurofibromatosis; VON RECKLINGHAUSEN DISEASE; NEUROFIBROMATOSIS, TYPE I, SOMATIC; Neurofibromatosis, type I. Identifiers: Orphanet 636, MedGen C0027831, MONDO:0018975, OMIM 162200. Disease mechanism: loss of function.
Cardiovascular phenotype. Identifiers: MedGen CN230736.
Hereditary cancer-predisposing syndrome. Also called: Neoplastic Syndromes, Hereditary; Tumor predisposition; Hereditary neoplastic syndrome; Hereditary Cancer Syndrome. Identifiers: Orphanet 140162, MedGen C0027672, MeSH D009386, MONDO:0015356.

gnomAD v4.1: 1 of 1,608,688 alleles (0.000062%); highest among the groups gnomAD compares: Non-Finnish European, 0.000085%; no homozygotes.

Submissions (2):

Ambry Genetics
Classification: Uncertain significance for Cardiovascular phenotype; Hereditary cancer-predisposing syndrome. Last evaluated: 2024-07-22. Review status: criteria provided, single submitter. Criteria: Ambry Variant Classification Scheme 2023. Collection method: clinical testing. Allele origin: germline.
Comment: The p.V2636M variant (also known as c.7906G>A), located in coding exon 53 of the NF1 gene, results from a G to A substitution at nucleotide position 7906. The valine at codon 2636 is replaced by methionine, an amino acid with highly similar properties. This amino acid position is highly conserved in available vertebrate species. In addition, the in silico prediction for this alteration is inconclusive. Based on the available evidence, the clinical significance of this variant remains unclear.

Labcorp Genetics (formerly Invitae), Labcorp
Classification: Uncertain significance for Neurofibromatosis, type 1. Last evaluated: 2024-02-26. Review status: criteria provided, single submitter. Criteria: Invitae Variant Classification Sherloc (09022015). Collection method: clinical testing. Allele origin: germline.
Comment: This sequence change replaces valine, which is neutral and non-polar, with methionine, which is neutral and non-polar, at codon 2636 of the NF1 protein (p.Val2636Met). This variant is not present in population databases (gnomAD no frequency). This variant has not been reported in the literature in individuals affected with NF1-related conditions. ClinVar contains an entry for this variant (Variation ID: 1761155). An algorithm developed to predict the effect of missense changes on protein structure and function (PolyPhen-2) suggests that this variant is likely to be disruptive. In summary, the available evidence is currently insufficient to determine the role of this variant in disease. Therefore, it has been classified as a Variant of Uncertain Significance.

NM_001042492.3(NF1):c.7969G>A (p.Val2657Met)

Gene: NF1 (neurofibromin 1; plus strand). Cytogenetic location: 17q11.2.
Variant type: single nucleotide variant.
Coding change: c.7969G>A on transcript NM_001042492.3 (MANE Select); coding-DNA position 7969, G replaced by A.
Protein change: p.Val2657Met; replaces valine 2657 with methionine.
Molecular consequence: missense variant.
Genome position (GRCh38, 1-based): chr17:31,357,368, G>A. VCF-style: chr17-31357368-G-A. GRCh37 (hg19) VCF-style: chr17-29684386-G-A.
Other names: c.7906G>A, p.Val2636Met (NM_000267.4); short protein forms V2636M, V2657M.
Identifiers: ClinVar variation 1761155 (VCV001761155.5), dbSNP rs1597867034, ClinGen allele CA399203567.